The following is an entry in ClinVar:

ClinVar aggregate classification (germline): Pathogenic. Review status: criteria provided, multiple submitters, no conflicts (2 of 4 stars). 2 submissions from 2 submitters: Pathogenic (2). Last evaluated 2024-11-20.

Conditions:
Eichsfeld type congenital muscular dystrophy (CMYO3). Also called: MYOPATHY, SEPN1-RELATED; SELENON-related myopathy; Congenital myopathy 3 with rigid spine; Rigid spine muscular dystrophy 1. Identifiers: MedGen C0410180, MONDO:0100100, OMIM 602771.

Submissions (2):

Women's Health and Genetics/Laboratory Corporation of America, LabCorp
Classification: Pathogenic for Eichsfeld type congenital muscular dystrophy. Last evaluated: 2024-11-20. Review status: criteria provided, single submitter. Criteria: LabCorp Variant Classification Summary - May 2015. Collection method: clinical testing. Allele origin: germline.
Comment: Variant summary: SELENON c.69_76dupACCGCGCC (p.Arg26HisfsX43) results in a premature termination codon, predicted to cause a truncation of the encoded protein or absence of the protein due to nonsense mediated decay, which are commonly known mechanisms for disease. The variant was absent in 4786 control chromosomes. c.69_76dupACCGCGCC has been reported in the literature in at least one compound heterozygous individual affected with multiminicore disease (e.g. Arbogast_2009). To our knowledge, no experimental evidence demonstrating an impact on protein function has been reported. The following publication has been ascertained in the context of this evaluation (PMID: 19557870). ClinVar contains an entry for this variant (Variation ID: 2412662). Based on the evidence outlined above, the variant was classified as pathogenic.

Broad Center for Mendelian Genomics, Broad Institute of MIT and Harvard
Classification: Pathogenic. Last evaluated: 2023-01-24. Review status: criteria provided, single submitter. Criteria: ACMG Guidelines, 2015. Collection method: curation. Allele origin: germline. Inheritance: Autosomal recessive inheritance.
Comment: The p.Arg26fs variant in SELENON has been reported in 2 individuals with SELENON-RM (PMID: 19557870, 28606403) and has been identified in 0.01% (1/8030) of African/African American chromosomes by the Genome Aggregation Database (gnomAD; dbSNP ID: rs911937146). Although this variant has been seen in the general population in a heterozygous state, its frequency is low enough to be consistent with a recessive carrier frequency. Of the 2 affected individuals, 1 of those was a homozygote and 1 was a compound heterozygote that carried a reported pathogenic variant with unknown phase, which increases the likelihood that the p.Arg26fs variant is pathogenic (VariationID: 95958; PMID: 19557870, 28606403). This variant is predicted to cause a frameshift, which alters the protein‚Äôs amino acid sequence beginning at position 26 and leads to a premature termination codon 43 amino acids downstream. This alteration is then predicted to lead to a truncated or absent protein. Loss of function of the SELENON gene is an established disease mechanism in autosomal recessive SELENON-RM. In summary, this variant meets criteria to be classified as pathogenic for autosomal recessive SELENON-RM. ACMG/AMP Criteria applied: PVS1, PM3, PM2_supporting (Richards 2015).

Literature cited by the submitters: PubMed 19557870 (cited by Women's Health and Genetics/Laboratory Corporation of America, LabCorp).

NM_206926.2(SELENON):c.69_76dup (p.Arg26fs)

Gene: SELENON (selenoprotein N; plus strand). Cytogenetic location: 1p36.11.
Variant type: Duplication.
Coding change: c.69_76dup on transcript NM_206926.2 (MANE Select); coding-DNA positions 69 to 76, 8 bases duplicated (ACCGCGCC; older notation c.69_76dupACCGCGCC).
Protein change: p.Arg26fs; shifts the reading frame from arginine 26.
Molecular consequence: frameshift variant.
Genome position (GRCh38, 1-based): chr1:25,800,299-25,800,306, ACCGCGCC duplicated; duplicating any 8 consecutive bases within chr1:25,800,292-25,800,306 gives the same sequence; the c. name uses the placement nearest the transcript's 3' end. VCF-style (leftmost placement, unchanged base first): chr1-25800291-C-CCCGCGCCA. GRCh37 (hg19) VCF-style: chr1-26126782-C-CCCGCGCCA.
Other names: NM_206926.2:c.69_76dup; c.69_76dup, p.Arg26fs (NM_020451.3); c.69_76dupACCGCGCC (NM_020451.3); short protein forms R26fs.
Identifiers: ClinVar variation 2412662 (VCV002412662.2), dbSNP rs911937146, ClinGen allele CA19693142.